The following is an entry in ClinVar:

ClinVar aggregate classification (germline): Uncertain significance. Review status: criteria provided, multiple submitters, no conflicts (2 of 4 stars). 3 submissions from 3 submitters: Uncertain significance (3). Last evaluated 2023-03-15.

Conditions:
Spastic paraplegia. Identifiers: MedGen C0037772, HP:0001258.

Allele frequency attached by ClinVar (database versions not stated): ExAC below 0.00001; gnomAD exomes below 0.00001 and 0.00001; TOPMed 0.00001; gnomAD 0.00002.
gnomAD v4.1: 23 of 1,614,030 alleles (0.0014%); highest among the groups gnomAD compares: Non-Finnish European, 0.0016%; no homozygotes.

Submissions (3):

GeneDx
Classification: Uncertain significance. Last evaluated: 2023-03-15. Review status: criteria provided, single submitter. Criteria: GeneDx Variant Classification Process June 2021. Collection method: clinical testing. Allele origin: germline. Affected: yes.
Comment: Not observed at significant frequency in large population cohorts (gnomAD); In silico analysis supports that this missense variant has a deleterious effect on protein structure/function; Has not been previously published as pathogenic or benign to our knowledge

Labcorp Genetics (formerly Invitae), Labcorp
Classification: Uncertain significance for Spastic paraplegia. Last evaluated: 2022-10-25. Review status: criteria provided, single submitter. Criteria: Invitae Variant Classification Sherloc (09022015). Collection method: clinical testing. Allele origin: germline.
Comment: This variant has not been reported in the literature in individuals affected with SLC33A1-related conditions. This sequence change replaces serine, which is neutral and polar, with cysteine, which is neutral and slightly polar, at codon 94 of the SLC33A1 protein (p.Ser94Cys). This variant is present in population databases (rs780342840, gnomAD 0.0009%). ClinVar contains an entry for this variant (Variation ID: 1021456). Advanced modeling of protein sequence and biophysical properties (such as structural, functional, and spatial information, amino acid conservation, physicochemical variation, residue mobility, and thermodynamic stability) has been performed at Invitae for this missense variant, however the output from this modeling did not meet the statistical confidence thresholds required to predict the impact of this variant on SLC33A1 protein function. In summary, the available evidence is currently insufficient to determine the role of this variant in disease. Therefore, it has been classified as a Variant of Uncertain Significance.

Athena Diagnostics
Classification: Uncertain significance. Last evaluated: 2022-06-08. Review status: criteria provided, single submitter. Criteria: Athena Diagnostics Criteria. Collection method: clinical testing. Allele origin: unknown.

NM_004733.4(SLC33A1):c.280A>T (p.Ser94Cys)

Gene: SLC33A1 (solute carrier family 33 member 1; minus strand). Cytogenetic location: 3q25.31.
Variant type: single nucleotide variant.
Coding change: c.280A>T on transcript NM_004733.4 (MANE Select); coding-DNA position 280, A replaced by T.
Protein change: p.Ser94Cys; replaces serine 94 with cysteine.
Molecular consequence: missense variant.
Genome position (GRCh38, 1-based): chr3:155,853,718, T>A on the plus strand (A>T on the coding strand, the complement: SLC33A1 is on the minus strand). VCF-style: chr3-155853718-T-A. GRCh37 (hg19) VCF-style: chr3-155571507-T-A.
Other names: c.280A>T, p.Ser94Cys (NM_001190992.2, NM_001363883.1); short protein forms S94C.
Identifiers: ClinVar variation 1021456 (VCV001021456.10), dbSNP rs780342840, ClinGen allele CA2677435.
Genomic context (GRCh38, chr3:155,853,718, plus strand): 5'-AACTGAAGAAAGCTTGGTCTGTATAGCTAACATTTTTGCTTTGCAAAATGAGTGGGATGC[T>A]TCCCGCCAAGCCCAGGGGAATACCCTGAAGCACGTAAAGAAAGAGTAGTAGCAAAATGCT-3'
Protein context (NP_004724.1, residues 84-104): LQGIPLGLAG[Ser94Cys]IPLILQSKNV